The following is an entry in ClinVar:

ClinVar aggregate classification (germline): Likely benign. Review status: criteria provided, multiple submitters, no conflicts (2 of 4 stars). 2 submissions from 2 submitters: Likely benign (2). Last evaluated 2026-08-18.

Conditions:
PLEC-related disorder. Also called: PLEC-related condition; PLEC-related disorders.
Epidermolysis bullosa simplex, Ogna type (EBS5A). Also called: EPIDERMOLYSIS BULLOSA SIMPLEX 5A, OGNA TYPE; Pidermolysis bullosa simplex 5A, Ogna type. Identifiers: Orphanet 79401, MedGen C0432317, MONDO:0007555, OMIM 131950.
Epidermolysis bullosa simplex 5C, with pyloric atresia (EBS5C). Also called: PLEC1-Related Epidermolysis Bullosa with Pyloric Atresia; PLEC-Related Epidermolysis Bullosa with Pyloric Atresia; Epidermolysis bullosa simplex with pyloric atresia. Identifiers: Orphanet 158684, MedGen C2677349, MONDO:0012807, OMIM 612138.
Autosomal recessive limb-girdle muscular dystrophy type 2Q (LGMDR17). Also called: MUSCULAR DYSTROPHY, LIMB-GIRDLE, AUTOSOMAL RECESSIVE 17. Identifiers: Orphanet 254361, MedGen C3150989, MONDO:0013390, OMIM 613723.
Epidermolysis bullosa simplex 5B, with muscular dystrophy (EBS5B). Also called: EPIDERMOLYSIS BULLOSA SIMPLEX AND LIMB-GIRDLE MUSCULAR DYSTROPHY; Epidermolysis bullosa simplex with muscular dystrophy. Identifiers: Orphanet 257, MedGen C2931072, MONDO:0009181, OMIM 226670.
Epidermolysis bullosa simplex with nail dystrophy (EBS5D). Identifiers: MedGen C4225309, MONDO:0014661, OMIM 616487.

Submissions (2):

PreventionGenetics, part of Exact Sciences
Classification: Likely benign for PLEC-related condition. Last evaluated: 2026-08-18. Review status: criteria provided, single submitter. Criteria: ACMG Guidelines, 2015. Collection method: clinical testing. Allele origin: germline.
Comment: This variant is classified as likely benign based on ACMG/AMP sequence variant interpretation guidelines (Richards et al. 2015 PMID: 25741868, with internal and published modifications).

Labcorp Genetics (formerly Invitae), Labcorp
Classification: Likely benign for Autosomal recessive limb-girdle muscular dystrophy type 2Q; Epidermolysis bullosa simplex, Ogna type; Epidermolysis bullosa simplex with nail dystrophy; Epidermolysis bullosa simplex 5C, with pyloric atresia; Epidermolysis bullosa simplex 5B, with muscular dystrophy. Last evaluated: 2025-03-31. Review status: criteria provided, single submitter. Criteria: Invitae Variant Classification Sherloc (09022015). Collection method: clinical testing. Allele origin: germline.

NM_201384.3(PLEC):c.9078C>A (p.Ile3026=)

Gene: PLEC (plectin; minus strand). Cytogenetic location: 8q24.3.
Variant type: single nucleotide variant.
Coding change: c.9078C>A on transcript NM_201384.3 (MANE Select); coding-DNA position 9078, C replaced by A.
Protein change: p.Ile3026=; no amino-acid change (isoleucine 3026 retained).
Molecular consequence: synonymous variant.
Genome position (GRCh38, 1-based): chr8:143,920,743, G>T on the plus strand (C>A on the coding strand, the complement: PLEC is on the minus strand). VCF-style: chr8-143920743-G-T. GRCh37 (hg19) VCF-style: chr8-144994911-G-T.
Other names: c.9159C>A (NM_000445.4); c.9159C>A, p.Ile3053= (NM_000445.5); c.5778C>A, p.Ile1926= (NM_001410941.1); c.9036C>A, p.Ile3012= (NM_201378.4); c.9012C>A, p.Ile3004= (NM_201379.3); c.9489C>A, p.Ile3163= (NM_201380.4); c.8982C>A, p.Ile2994= (NM_201381.3); c.9078C>A, p.Ile3026= (NM_201382.4); and 1 more.
Identifiers: ClinVar variation 2052828 (VCV002052828.5), dbSNP rs201586456, ClinGen allele CA4925084.